The following is an entry in ClinVar:

ClinVar aggregate classification (germline): Likely benign (1 of 4 stars; one submission).

Submission:

CeGaT Center for Human Genetics Tuebingen
Classification: Likely benign. Last evaluated: 2024-11-01. Review status: criteria provided, single submitter. Criteria: CeGaT Center For Human Genetics Tuebingen Variant Classification Criteria Version 2. Collection method: clinical testing. Allele origin: germline. Affected: yes. Observed: 1 variant allele.
Comment: MOCS3: PM2:Supporting, BP4, BP7

NM_014484.5(MOCS3):c.444C>G (p.Leu148=)

Gene: MOCS3 (molybdenum cofactor synthesis 3; plus strand). Cytogenetic location: 20q13.13.
Variant type: single nucleotide variant.
Coding change: c.444C>G on transcript NM_014484.5 (MANE Select); coding-DNA position 444, C replaced by G.
Protein change: p.Leu148=; no amino-acid change (leucine 148 retained).
Molecular consequence: synonymous variant.
Genome position (GRCh38, 1-based): chr20:50,959,286, C>G. VCF-style: chr20-50959286-C-G. GRCh37 (hg19) VCF-style: chr20-49575823-C-G.
Identifiers: ClinVar variation 3390204 (VCV003390204.14).